The following is an entry in ClinVar:

NM_017654.4(SAMD9):c.3181G>C (p.Asp1061His)

Gene: SAMD9 (sterile alpha motif domain containing 9; minus strand). Cytogenetic location: 7q21.2.
Variant type: single nucleotide variant.
Coding change: c.3181G>C on transcript NM_017654.4 (MANE Select); coding-DNA position 3181, G replaced by C.
Protein change: p.Asp1061His; replaces aspartic acid 1061 with histidine.
Molecular consequence: missense variant.
Genome position (GRCh38, 1-based): chr7:93,102,917, C>G on the plus strand (G>C on the coding strand, the complement: SAMD9 is on the minus strand). VCF-style: chr7-93102917-C-G. GRCh37 (hg19) VCF-style: chr7-92732230-C-G.
Other names: c.3181G>C, p.Asp1061His (NM_001193307.2); c.3181G>C (NM_017654.3); short protein forms D1061H.
Identifiers: ClinVar variation 1461790 (VCV001461790.8), dbSNP rs751226142, ClinGen allele CA4342734.

ClinVar aggregate classification (germline): Uncertain significance. Review status: criteria provided, multiple submitters, no conflicts (2 of 4 stars). 2 submissions from 2 submitters: Uncertain significance (2). Last evaluated 2024-07-08.

Allele frequency attached by ClinVar (database versions not stated): ExAC 0.00002; gnomAD exomes 0.00002.
gnomAD v4.1: 13 of 1,613,888 alleles (0.00081%); highest among the groups gnomAD compares: Non-Finnish European, 0.00042%; no homozygotes.

Submissions (2):

Labcorp Genetics (formerly Invitae), Labcorp
Classification: Uncertain significance. Last evaluated: 2024-07-08. Review status: criteria provided, single submitter. Criteria: Invitae Variant Classification Sherloc (09022015). Collection method: clinical testing. Allele origin: germline.
Comment: This sequence change replaces aspartic acid, which is acidic and polar, with histidine, which is basic and polar, at codon 1061 of the SAMD9 protein (p.Asp1061His). This variant is present in population databases (rs751226142, gnomAD 0.04%). This variant has not been reported in the literature in individuals affected with SAMD9-related conditions. ClinVar contains an entry for this variant (Variation ID: 1461790). Advanced modeling of protein sequence and biophysical properties (such as structural, functional, and spatial information, amino acid conservation, physicochemical variation, residue mobility, and thermodynamic stability) performed at Invitae indicates that this missense variant is not expected to disrupt SAMD9 protein function with a negative predictive value of 95%. In summary, the available evidence is currently insufficient to determine the role of this variant in disease. Therefore, it has been classified as a Variant of Uncertain Significance.

GeneDx
Classification: Uncertain significance. Last evaluated: 2024-06-05. Review status: criteria provided, single submitter. Criteria: GeneDx Variant Classification Process June 2021. Collection method: clinical testing. Allele origin: germline. Affected: yes.
Comment: Not observed at significant frequency in large population cohorts (gnomAD); In silico analysis indicates that this missense variant does not alter protein structure/function; Has not been previously published as pathogenic or benign to our knowledge; This variant is associated with the following publications: (PMID: 28545555)